The following is an entry in ClinVar:

NM_000051.4(ATM):c.6017dup (p.Leu2006fs)

Genes: ATM (ATM serine/threonine kinase; plus strand), C11orf65 (chromosome 11 open reading frame 65; minus strand). Cytogenetic location: 11q22.3.
Variant type: Duplication.
Coding change: c.6017dup on transcript NM_000051.4 (MANE Select); coding-DNA position 6017, one base duplicated (T; older notation c.6017dupT).
Protein change: p.Leu2006fs; shifts the reading frame from leucine 2006.
Molecular consequence: frameshift variant. On other transcripts: intron variant (2).
Genome position (GRCh38, 1-based): chr11:108,315,833, T duplicated; the last of 2 consecutive T bases (chr11:108,315,832-108,315,833); duplicating either gives the same sequence. VCF-style (leftmost placement, unchanged base first): chr11-108315831-C-CT. GRCh37 (hg19) VCF-style: chr11-108186558-C-CT.
Other names: c.6017dup, p.Leu2006fs (NM_001351834.2); c.641-6761dup (NM_001330368.2); c.*39-6761dup (NM_001351110.2); short protein forms L2006fs.
Identifiers: ClinVar variation 4531205 (VCV004531205.2).

ClinVar aggregate classification (germline): Likely pathogenic (1 of 4 stars; one submission).

Conditions:
Ataxia-telangiectasia syndrome (AT). Also called: LOUIS-BAR SYNDROME; Cerebello-oculocutaneous telangiectasia; Immunodeficiency with ataxia telangiectasia; Ataxia-telangiectasia, complementation group D; AT, COMPLEMENTATION GROUP C; ATAXIA-TELANGIECTASIA, COMPLEMENTATION GROUP A. Identifiers: Orphanet 100, MedGen C0004135, MONDO:0008840, OMIM 208900.
Familial cancer of breast. Also called: BREAST CANCER, FAMILIAL; Hereditary breast cancer; hereditary breast carcinoma. Identifiers: Orphanet 227535, MedGen C0346153, MONDO:0016419, OMIM 114480. Disease mechanism: loss of function.

Submission:

Juno Genomics, Hangzhou Juno Genomics, Inc
Classification: Likely pathogenic for Familial cancer of breast; Ataxia-telangiectasia syndrome. Review status: criteria provided, single submitter. Criteria: ACMG Guidelines, 2015. Collection method: clinical testing. Allele origin: germline.
Comment: Absent from controls (or at extremely low frequency if recessive) in Genome Aggregation Database.;Null variant in a gene where loss of function (LOF) is a known mechanism of disease.